The following is an entry in ClinVar:

ClinVar aggregate classification (germline): Pathogenic. Review status: criteria provided, multiple submitters, no conflicts (2 of 4 stars). 2 submissions from 2 submitters: Pathogenic (2). Last evaluated 2025-10-29.

Conditions:
Carney complex, type 1 (CNC1). Also called: CARNEY COMPLEX, TYPE I; CARNEY MYXOMA-ENDOCRINE COMPLEX. Identifiers: Orphanet 1359, MedGen C2607929, MONDO:0008057, OMIM 160980.

Submissions (2):

Labcorp Genetics (formerly Invitae), Labcorp
Classification: Pathogenic for Carney complex, type 1. Last evaluated: 2025-10-29. Review status: criteria provided, single submitter. Criteria: Invitae Variant Classification Sherloc (09022015). Collection method: clinical testing. Allele origin: germline.
Comment: This sequence change creates a premature translational stop signal (p.Arg74Glnfs*52) in the PRKAR1A gene. It is expected to result in an absent or disrupted protein product. Loss-of-function variants in PRKAR1A are known to be pathogenic (PMID: 11115848, 19293268). This variant is not present in population databases (gnomAD no frequency). This premature translational stop signal has been observed in individual(s) with clinical features of PRKAR1A-related conditions (PMID: 20924687). This variant is also known as c.243–252ACTCGTAGAGdel. ClinVar contains an entry for this variant (Variation ID: 992907). For these reasons, this variant has been classified as Pathogenic.

Johns Hopkins Genomics, Johns Hopkins University
Classification: Pathogenic for Carney complex, type 1. Last evaluated: 2020-12-30. Review status: criteria provided, single submitter. Criteria: ACMG Guidelines, 2015. Collection method: clinical testing. Allele origin: germline.
Comment: This PRKAR1A variant is absent in a large population dataset. This 10-bp deletion results in a frameshift in exon 3 of 11 that is predicted to introduce a premature termination codon (PTC), likely leading to nonsense-mediated decay and lack of protein production. We consider c.221_230del to be pathogenic.

Literature cited by the submitters: PubMed 11115848 (cited by Labcorp Genetics (formerly Invitae), Labcorp); PubMed 19293268 (cited by Labcorp Genetics (formerly Invitae), Labcorp and Johns Hopkins Genomics, Johns Hopkins University); PubMed 20924687 (cited by Labcorp Genetics (formerly Invitae), Labcorp and Johns Hopkins Genomics, Johns Hopkins University); PubMed 10973256 (cited by Johns Hopkins Genomics, Johns Hopkins University); PubMed 12950501 (cited by Johns Hopkins Genomics, Johns Hopkins University); PubMed 18223213 (cited by Johns Hopkins Genomics, Johns Hopkins University); PubMed 20358582 (cited by Johns Hopkins Genomics, Johns Hopkins University).

NM_002734.5(PRKAR1A):c.221_230del (p.Arg74fs)

Gene: PRKAR1A (protein kinase cAMP-dependent type I regulatory subunit alpha; plus strand). Cytogenetic location: 17q24.2.
Variant type: Deletion.
Coding change: c.221_230del on transcript NM_002734.5 (MANE Select); coding-DNA positions 221 to 230, 10 bases deleted (GTACAGACTC; older notation c.221_230delGTACAGACTC).
Protein change: p.Arg74fs; shifts the reading frame from arginine 74.
Molecular consequence: frameshift variant.
Genome position (GRCh38, 1-based): chr17:68,522,799-68,522,808, GTACAGACTC deleted; deleting any 10 consecutive bases within chr17:68,522,795-68,522,808 gives the same sequence; the c. name uses the placement nearest the transcript's 3' end. VCF-style (leftmost placement, unchanged base first): chr17-68522794-CACTCGTACAG-C. GRCh37 (hg19) VCF-style: chr17-66518935-CACTCGTACAG-C.
Other names: c.221_230del, p.Arg74fs (NM_001276289.2, NM_001276290.1, NM_001278433.2 and 4 more transcripts); short protein forms R74fs.
Identifiers: ClinVar variation 992907 (VCV000992907.2), dbSNP rs2085657588, ClinGen allele CA1139665856.